The following is an entry in ClinVar:

NM_203447.4(DOCK8):c.5581G>A (p.Ala1861Thr)

Gene: DOCK8 (dedicator of cytokinesis 8; plus strand). Cytogenetic location: 9p24.3.
Variant type: single nucleotide variant.
Coding change: c.5581G>A on transcript NM_203447.4 (MANE Select); coding-DNA position 5581, G replaced by A.
Protein change: p.Ala1861Thr; replaces alanine 1861 with threonine.
Molecular consequence: missense variant.
Genome position (GRCh38, 1-based): chr9:446,370, G>A. VCF-style: chr9-446370-G-A. GRCh37 (hg19) VCF-style: chr9-446370-G-A.
Other names: c.5281G>A, p.Ala1761Thr (NM_001190458.2); c.5377G>A, p.Ala1793Thr (NM_001193536.2); short protein forms A1761T, A1793T, A1861T.
Identifiers: ClinVar variation 1504355 (VCV001504355.8), dbSNP rs868367150, ClinGen allele CA187823575.
Genomic context (GRCh38, chr9:446,370, plus strand): 5'-GTCAGGGATGGCCGTTTGCAGAATAGCTCATCTTCTCCCTCCGTGCCTTTTCCCCCTTAG[G>A]CCTACATACAGATCACTTTTGTGGAGCCCTACTTTGATGAGTATGAGATGAAAGACAGGG-3'
Protein context (NP_982272.2, residues 1851-1871): VDKTKLDPNK[Ala1861Thr]YIQITFVEPY

ClinVar aggregate classification (germline): Uncertain significance (1 of 4 stars; one submission).

Conditions:
Combined immunodeficiency due to DOCK8 deficiency (HIES2). Also called: HIES autosomal recessive; DOCK8 Deficiency; Hyper-IgE recurrent infection syndrome, autosomal recessive; HYPER-IgE RECURRENT INFECTION SYNDROME 2, AUTOSOMAL RECESSIVE; HYPER-IgE SYNDROME 2, AUTOSOMAL RECESSIVE, WITH RECURRENT INFECTIONS. Identifiers: Orphanet 217390, MedGen C4722305, MONDO:0009478, OMIM 243700.

Allele frequency attached by ClinVar (database versions not stated): gnomAD exomes below 0.00001.
gnomAD v4.1: 2 of 1,613,650 alleles (0.00012%); highest among the groups gnomAD compares: African/African-American, 0.0013%; no homozygotes.

Submission:

Labcorp Genetics (formerly Invitae), Labcorp
Classification: Uncertain significance for Combined immunodeficiency due to DOCK8 deficiency. Last evaluated: 2022-07-05. Review status: criteria provided, single submitter. Criteria: Invitae Variant Classification Sherloc (09022015). Collection method: clinical testing. Allele origin: germline.
Comment: In summary, the available evidence is currently insufficient to determine the role of this variant in disease. Therefore, it has been classified as a Variant of Uncertain Significance. Algorithms developed to predict the effect of missense changes on protein structure and function are either unavailable or do not agree on the potential impact of this missense change (SIFT: "Deleterious"; PolyPhen-2: "Probably Damaging"; Align-GVGD: "Class C0"). ClinVar contains an entry for this variant (Variation ID: 1504355). This variant has not been reported in the literature in individuals affected with DOCK8-related conditions. This variant is not present in population databases (gnomAD no frequency). This sequence change replaces alanine, which is neutral and non-polar, with threonine, which is neutral and polar, at codon 1861 of the DOCK8 protein (p.Ala1861Thr).